The following is an entry in ClinVar:

ClinVar aggregate classification (germline): Uncertain significance (1 of 4 stars; one submission).

gnomAD v4.1: 4 of 1,580,542 alleles (0.00025%); highest among the groups gnomAD compares: African/African-American, 0.004%; no homozygotes.

Submission:

Women's Health and Genetics/Laboratory Corporation of America, LabCorp
Classification: Uncertain significance. Last evaluated: 2024-10-11. Review status: criteria provided, single submitter. Criteria: LabCorp Variant Classification Summary - May 2015. Collection method: clinical testing. Allele origin: germline.
Comment: Variant summary: LAMA1 c.5892T>C (p.Gly1964Gly) alters a non-conserved nucleotide located close to a canonical splice site and therefore could affect mRNA splicing, leading to a significantly altered protein sequence. Consensus agreement among computation tools predict no significant impact on normal splicing. However, these predictions have yet to be confirmed by functional studies. The variant allele was found at a frequency of 4e-06 in 250592 control chromosomes. The available data on variant occurrences in the general population are insufficient to allow any conclusion about variant significance. To our knowledge, no occurrence of c.5892T>C in individuals affected with Ataxia-Intellectual Disability-Oculomotor Apraxia-Cerebellar Cysts Syndrome and no experimental evidence demonstrating its impact on protein function have been reported. No submitters have cited clinical-significance assessments for this variant to ClinVar. Based on the evidence outlined above, the variant was classified as uncertain significance.

NM_005559.4(LAMA1):c.5892T>C (p.Gly1964=)

Gene: LAMA1 (laminin subunit alpha 1; minus strand). Cytogenetic location: 18p11.31.
Variant type: single nucleotide variant.
Coding change: c.5892T>C on transcript NM_005559.4 (MANE Select); coding-DNA position 5892, T replaced by C.
Protein change: p.Gly1964=; no amino-acid change (glycine 1964 retained).
Molecular consequence: synonymous variant.
Genome position (GRCh38, 1-based): chr18:6,980,636, A>G on the plus strand (T>C on the coding strand, the complement: LAMA1 is on the minus strand). VCF-style: chr18-6980636-A-G. GRCh37 (hg19) VCF-style: chr18-6980635-A-G.
Identifiers: ClinVar variation 3384735 (VCV003384735.1).